The following is an entry in ClinVar:

ClinVar aggregate classification (germline): Uncertain significance (1 of 4 stars; one submission).

Conditions:
Hereditary diffuse gastric adenocarcinoma (HDGC). Also called: DIFFUSE GASTRIC AND LOBULAR BREAST CANCER SYNDROME. Identifiers: Orphanet 26106, MedGen C1708349, MONDO:0007648, OMIM 137215.

Submission:

Labcorp Genetics (formerly Invitae), Labcorp
Classification: Uncertain significance for Hereditary diffuse gastric adenocarcinoma. Last evaluated: 2022-03-27. Review status: criteria provided, single submitter. Criteria: Invitae Variant Classification Sherloc (09022015). Collection method: clinical testing. Allele origin: germline.
Comment: In summary, the available evidence is currently insufficient to determine the role of this variant in disease. Therefore, it has been classified as a Variant of Uncertain Significance. Algorithms developed to predict the effect of missense changes on protein structure and function output the following: SIFT: "Tolerated"; PolyPhen-2: "Benign"; Align-GVGD: "Class C0". The lysine amino acid residue is found in multiple mammalian species, which suggests that this missense change does not adversely affect protein function. This variant has not been reported in the literature in individuals affected with CDH1-related conditions. This variant is not present in population databases (gnomAD no frequency). This sequence change replaces asparagine, which is neutral and polar, with lysine, which is basic and polar, at codon 174 of the CDH1 protein (p.Asn174Lys).

NM_004360.5(CDH1):c.522C>G (p.Asn174Lys)

Gene: CDH1 (cadherin 1; plus strand). Cytogenetic location: 16q22.1.
Variant type: single nucleotide variant.
Coding change: c.522C>G on transcript NM_004360.5 (MANE Select); coding-DNA position 522, C replaced by G.
Protein change: p.Asn174Lys; replaces asparagine 174 with lysine.
Molecular consequence: missense variant. On other transcripts: 5 prime UTR variant (2).
Genome position (GRCh38, 1-based): chr16:68,808,558, C>G. VCF-style: chr16-68808558-C-G. GRCh37 (hg19) VCF-style: chr16-68842461-C-G.
Other names: c.522C>G, p.Asn174Lys (NM_001317184.2); c.-1094C>G (NM_001317185.2); c.-1298C>G (NM_001317186.2); short protein forms N174K.
Identifiers: ClinVar variation 2118359 (VCV002118359.4), dbSNP rs571581856, ClinGen allele CA396457805.